The following is an entry in ClinVar:

NM_018136.5(ASPM):c.*158T>C

Gene: ASPM (assembly factor for spindle microtubules; minus strand). Cytogenetic location: 1q31.3.
Variant type: single nucleotide variant.
Coding change: c.*158T>C on transcript NM_018136.5 (MANE Select); 158 bases downstream of the stop codon, T replaced by C.
Molecular consequence: 3 prime UTR variant.
Genome position (GRCh38, 1-based): chr1:197,084,166, A>G on the plus strand (T>C on the coding strand, the complement: ASPM is on the minus strand). VCF-style: chr1-197084166-A-G. GRCh37 (hg19) VCF-style: chr1-197053296-A-G.
Other names: c.*158T>C (NM_001206846.2).
Identifiers: ClinVar variation 210340 (VCV000210340.35), dbSNP rs41265225, ClinGen allele CA208398.
Genomic context (GRCh38, chr1:197,084,166, plus strand): 5'-TAATAGACAGGAATAATATAATCATCTTATGACATATTAGTTTATTACATGCATAAAACT[A>G]TAAATGATAAAAATGAAGAATGTAATGAACAGTTTATGTTTTTTTAAAACAAAGTCAGAT-3'

ClinVar aggregate classification (germline): Conflicting classifications of pathogenicity. Review status: criteria provided, conflicting classifications (1 of 4 stars). 4 submissions from 4 submitters: Uncertain significance (2); Benign (1); Likely benign (1). Last evaluated 2024-11-01.

Conditions:
Microcephaly 5, primary, autosomal recessive (MCPH5). Also called: ASPM Primary Microcephaly. Identifiers: Orphanet 2512, MedGen C1837501, MONDO:0012106, OMIM 608716.

Allele frequency attached by ClinVar (database versions not stated): 1000 Genomes Project 30x 0.00609; 1000 Genomes Project 0.00619; gnomAD 0.00823 and 0.00824; TOPMed 0.00897; gnomAD exomes 0.01128.
gnomAD v4.1: 6,621 of 623,186 alleles (1.1%); highest among the groups gnomAD compares: Middle Eastern, 1.5%; 72 homozygotes.

Submissions (4):

CeGaT Center for Human Genetics Tuebingen
Classification: Benign. Last evaluated: 2024-11-01. Review status: criteria provided, single submitter. Criteria: CeGaT Center For Human Genetics Tuebingen Variant Classification Criteria Version 2. Collection method: clinical testing. Allele origin: germline. Affected: yes. Observed: 11 variant alleles.
Comment: ASPM: BS1, BS2

GeneDx
Classification: Likely benign. Last evaluated: 2018-07-15. Review status: criteria provided, single submitter. Criteria: GeneDx Variant Classification Process June 2021. Collection method: clinical testing. Allele origin: germline. Affected: yes.

Illumina Laboratory Services, Illumina
Classification: Uncertain significance for Microcephaly 5, primary, autosomal recessive. Last evaluated: 2017-04-27. Review status: criteria provided, single submitter. Criteria: ICSL Variant Classification Criteria 13 December 2019. Collection method: clinical testing. Allele origin: germline.

Genetic Services Laboratory, University of Chicago
Classification: Uncertain significance. Last evaluated: 2013-02-08. Review status: criteria provided, single submitter. Criteria: ACMG Guidelines, 2007. Collection method: clinical testing. Allele origin: germline.